The following is an entry in ClinVar:

ClinVar aggregate classification (germline): Conflicting classifications of pathogenicity. Review status: criteria provided, conflicting classifications (1 of 4 stars). 8 submissions from 8 submitters: Uncertain significance (2); Likely benign (6). Last evaluated 2025-10-27.

Conditions:
TTN-related disorder. Also called: TTN-related disorders; TTN-related condition; TTN-related disease.
Cardiovascular phenotype. Identifiers: MedGen CN230736.
Dilated cardiomyopathy 1G (CMD1G). Identifiers: Orphanet 154, MedGen C1858763, MONDO:0011400, OMIM 604145.
Autosomal recessive limb-girdle muscular dystrophy type 2J (LGMDR10). Also called: Limb-girdle muscular dystrophy, type 2J; MUSCULAR DYSTROPHY, LIMB-GIRDLE, AUTOSOMAL RECESSIVE 10. Identifiers: Orphanet 140922, MedGen C1837342, MONDO:0012127, OMIM 608807.

Allele frequency attached by ClinVar (database versions not stated): gnomAD exomes below 0.00001 and 0.00002; gnomAD 0.00001; TOPMed 0.00004; ESP Exome Variant Server 0.00008.

Submissions (8):

Labcorp Genetics (formerly Invitae), Labcorp
Classification: Likely benign for Dilated cardiomyopathy 1G; Autosomal recessive limb-girdle muscular dystrophy type 2J. Last evaluated: 2025-10-27. Review status: criteria provided, single submitter. Criteria: Invitae Variant Classification Sherloc (09022015). Collection method: clinical testing. Allele origin: germline.

PreventionGenetics, part of Exact Sciences
Classification: Likely benign for TTN-related condition. Last evaluated: 2025-08-28. Review status: criteria provided, single submitter. Criteria: ACMG Guidelines, 2015. Collection method: clinical testing. Allele origin: germline.
Comment: This variant is classified as likely benign based on ACMG/AMP sequence variant interpretation guidelines (Richards et al. 2015 PMID: 25741868, with internal and published modifications).

Blueprint Genetics
Classification: Likely benign. Last evaluated: 2024-08-27. Review status: criteria provided, single submitter. Criteria: ACMG Guidelines, 2015. Collection method: clinical testing. Allele origin: germline.

CeGaT Center for Human Genetics Tuebingen
Classification: Likely benign. Last evaluated: 2023-05-01. Review status: criteria provided, single submitter. Criteria: CeGaT Center For Human Genetics Tuebingen Variant Classification Criteria Version 2. Collection method: clinical testing. Allele origin: germline. Affected: yes. Observed: 2 variant alleles.
Comment: TTN: BP4, BP7

Ambry Genetics
Classification: Likely benign for Cardiovascular phenotype. Last evaluated: 2019-11-19. Review status: criteria provided, single submitter. Criteria: Ambry Variant Classification Scheme 2023. Collection method: clinical testing. Allele origin: germline.

Revvity Omics, Revvity
Classification: Uncertain significance. Last evaluated: 2019-06-13. Review status: criteria provided, single submitter. Criteria: ACMG Guidelines, 2015. Collection method: clinical testing. Allele origin: germline.

Athena Diagnostics
Classification: Likely benign. Last evaluated: 2017-06-29. Review status: criteria provided, single submitter. Criteria: Athena Diagnostics Criteria. Collection method: clinical testing. Allele origin: germline.

Eurofins Ntd Llc (ga)
Classification: Uncertain significance. Last evaluated: 2017-04-05. Review status: criteria provided, single submitter. Criteria: EGL Classification Definitions 2015. Collection method: clinical testing. Allele origin: germline. Observed: 3 variant alleles, 3 heterozygotes.

NM_001267550.2(TTN):c.58191G>A (p.Thr19397=)

Genes: TTN (titin; minus strand), TTN-AS1 (TTN antisense RNA 1; plus strand). Cytogenetic location: 2q31.2.
Variant type: single nucleotide variant.
Coding change: c.58191G>A on transcript NM_001267550.2 (MANE Select); coding-DNA position 58191, G replaced by A.
Protein change: p.Thr19397=; no amino-acid change (threonine 19397 retained).
Molecular consequence: synonymous variant.
Genome position (GRCh38, 1-based): chr2:178,594,202, C>T on the plus strand (G>A on the coding strand, the complement: TTN is on the minus strand). VCF-style: chr2-178594202-C-T. GRCh37 (hg19) VCF-style: chr2-179458929-C-T.
Other names: c.58191G>A (LRG_391t1); c.53268G>A, p.Thr17756= (NM_001256850.1); c.30996G>A, p.Thr10332= (NM_003319.4); c.50487G>A, p.Thr16829= (NM_133378.4); c.31371G>A, p.Thr10457= (NM_133432.3); c.31572G>A, p.Thr10524= (NM_133437.4).
Identifiers: ClinVar variation 448806 (VCV000448806.48), dbSNP rs370091658, ClinGen allele CA60971875.